The following is an entry in ClinVar:

NM_006254.4(PRKCD):c.888+11G>A

Gene: PRKCD (protein kinase C delta; plus strand). Cytogenetic location: 3p21.1.
Variant type: single nucleotide variant.
Coding change: c.888+11G>A on transcript NM_006254.4 (MANE Select); 11 bases into the intron after coding-DNA position 888, G replaced by A.
Molecular consequence: intron variant.
Genome position (GRCh38, 1-based): chr3:53,184,985, G>A. VCF-style: chr3-53184985-G-A. GRCh37 (hg19) VCF-style: chr3-53219001-G-A.
Other names: c.888+11G>A (NM_001354680.2, NM_001354679.2, NM_212539.2 and 1 more transcripts); c.945+11G>A (NM_001354676.2); c.936+11G>A (NM_001354678.2).
Identifiers: ClinVar variation 3715947 (VCV003715947.1).
Genomic context (GRCh38, chr3:53,184,985, plus strand): 5'-GCGGCATCAACCAGAAGCTTTTGGCTGAGGCCTTGAACCAAGTCACCCAGGTGGGCAGGT[G>A]CCATGGGGACCCTGGACACAGGGCAGTGGGGTCAGGGACAGTCAAGGCTTACAGCCACTG-3'

ClinVar aggregate classification (germline): Uncertain significance (1 of 4 stars; one submission).

Conditions:
Autoimmune lymphoproliferative syndrome, type III caused by mutation in PRKCD. Identifiers: Orphanet 3261, Orphanet 664711, MedGen C3809928, MONDO:8000024, OMIM 615559.

gnomAD v4.1: 10 of 1,612,426 alleles (0.00062%); highest among the groups gnomAD compares: African/African-American, 0.013%; no homozygotes.

Submission:

Labcorp Genetics (formerly Invitae), Labcorp
Classification: Uncertain significance for Autoimmune lymphoproliferative syndrome, type III caused by mutation in PRKCD. Last evaluated: 2024-04-14. Review status: criteria provided, single submitter. Criteria: Invitae Variant Classification Sherloc (09022015). Collection method: clinical testing. Allele origin: germline.
Comment: This sequence change falls in intron 10 of the PRKCD gene. It does not directly change the encoded amino acid sequence of the PRKCD protein. This variant is present in population databases (rs782414501, gnomAD 0.02%). This variant has not been reported in the literature in individuals affected with PRKCD-related conditions. Algorithms developed to predict the effect of sequence changes on RNA splicing suggest that this variant may create or strengthen a splice site. In summary, the available evidence is currently insufficient to determine the role of this variant in disease. Therefore, it has been classified as a Variant of Uncertain Significance.